The following is an entry in ClinVar:

NM_182493.3(MYLK3):c.478-14G>A

Gene: MYLK3 (myosin light chain kinase 3; minus strand). Cytogenetic location: 16q11.2.
Variant type: single nucleotide variant.
Coding change: c.478-14G>A on transcript NM_182493.3 (MANE Select); 14 bases into the intron before coding-DNA position 478, G replaced by A.
Molecular consequence: intron variant.
Genome position (GRCh38, 1-based): chr16:46,740,161, C>T on the plus strand (G>A on the coding strand, the complement: MYLK3 is on the minus strand). VCF-style: chr16-46740161-C-T. GRCh37 (hg19) VCF-style: chr16-46774073-C-T.
Other names: c.-113-14G>A (NM_001308301.1).
Identifiers: ClinVar variation 1468114 (VCV001468114.6), dbSNP rs1432451692, ClinGen allele CA622181504.

ClinVar aggregate classification (germline): Uncertain significance (1 of 4 stars; one submission).

Allele frequency attached by ClinVar (database versions not stated): gnomAD exomes 0.00001.

Submission:

Labcorp Genetics (formerly Invitae), Labcorp
Classification: Uncertain significance. Last evaluated: 2025-08-30. Review status: criteria provided, single submitter. Criteria: Invitae Variant Classification Sherloc (09022015). Collection method: clinical testing. Allele origin: germline.
Comment: This sequence change falls in intron 1 of the MYLK3 gene. It does not directly change the encoded amino acid sequence of the MYLK3 protein. This variant is present in population databases (no rsID available, gnomAD 0.006%). This variant has not been reported in the literature in individuals affected with MYLK3-related conditions. ClinVar contains an entry for this variant (Variation ID: 1468114). Algorithms developed to predict the effect of sequence changes on RNA splicing suggest that this variant may disrupt the consensus splice site. In summary, the available evidence is currently insufficient to determine the role of this variant in disease. Therefore, it has been classified as a Variant of Uncertain Significance.